The following is an entry in ClinVar:

NM_173651.4(FSIP2):c.19692T>C (p.His6564=)

Gene: FSIP2 (fibrous sheath interacting protein 2; plus strand). Cytogenetic location: 2q32.1.
Variant type: single nucleotide variant.
Coding change: c.19692T>C on transcript NM_173651.4 (MANE Select); coding-DNA position 19692, T replaced by C.
Protein change: p.His6564=; no amino-acid change (histidine 6564 retained).
Molecular consequence: synonymous variant.
Genome position (GRCh38, 1-based): chr2:185,808,998, T>C. VCF-style: chr2-185808998-T-C. GRCh37 (hg19) VCF-style: chr2-186673725-T-C.
Identifiers: ClinVar variation 1711520 (VCV001711520.30), dbSNP rs377576208, ClinGen allele CA2017747.
Genomic context (GRCh38, chr2:185,808,998, plus strand): 5'-TTCTATAAAAACTCAACCTCTTGAGAAACTTAAGCAGGAGTGTTTGAAAAGAACTGGACA[T>C]AGCATAGCAGAACTGAGAAGAGCATCAATAAGTGGGAGAAATTACTCCTTAGGATCACCT-3'
Protein context (NP_775922.3, residues 6554-6574): LKQECLKRTG[His6564=]SIAELRRASI

ClinVar aggregate classification (germline): Likely benign (1 of 4 stars; one submission).

Allele frequency attached by ClinVar (database versions not stated): ExAC 0.00004; gnomAD 0.00005; gnomAD exomes 0.00005; TOPMed 0.00005; ESP Exome Variant Server 0.00034.
gnomAD v4.1: 74 of 1,612,872 alleles (0.0046%); highest among the groups gnomAD compares: Middle Eastern, 0.066%; no homozygotes.

Submission:

CeGaT Center for Human Genetics Tuebingen
Classification: Likely benign. Last evaluated: 2022-09-01. Review status: criteria provided, single submitter. Criteria: CeGaT Center For Human Genetics Tuebingen Variant Classification Criteria Version 2. Collection method: clinical testing. Allele origin: germline. Affected: yes. Observed: 1 variant allele.
Comment: FSIP2: BP4, BP7